The following is an entry in ClinVar:

NM_024747.6(HPS6):c.823C>T (p.Pro275Ser)

Gene: HPS6 (HPS6 biogenesis of lysosomal organelles complex 2 subunit 3; plus strand). Cytogenetic location: 10q24.32.
Variant type: single nucleotide variant.
Coding change: c.823C>T on transcript NM_024747.6 (MANE Select); coding-DNA position 823, C replaced by T.
Protein change: p.Pro275Ser; replaces proline 275 with serine.
Molecular consequence: missense variant.
Genome position (GRCh38, 1-based): chr10:102,066,297, C>T. VCF-style: chr10-102066297-C-T. GRCh37 (hg19) VCF-style: chr10-103826054-C-T.
Other names: short protein forms P275S.
Identifiers: ClinVar variation 690344 (VCV000690344.5), dbSNP rs756325364, ClinGen allele CA5659867.
Genomic context (GRCh38, chr10:102,066,297, plus strand): 5'-CTCCGAGGCCTTCCTGGGTTGCTGTCCCCCAGGGAGCCACTGGCTGTACACACCTGGGCC[C>T]CAACTCCCCAGGGCCTGCTGTTGCTTGACTTCGGGGGCACTGTGAGCCTATTGCAGTCCC-3'
Protein context (NP_079023.2, residues 265-285): REPLAVHTWA[Pro275Ser]TPQGLLLLDF

ClinVar aggregate classification (germline): Pathogenic. Review status: criteria provided, single submitter (1 of 4 stars). 2 submissions from 2 submitters: Pathogenic (1). 1 of the submissions does not count toward it. Last evaluated 2024-01-17.

Conditions:
Hermansky-Pudlak syndrome (HPS). Also called: ALBINISM WITH HEMORRHAGIC DIATHESIS AND PIGMENTED RETICULOENDOTHELIAL CELLS. Identifiers: Orphanet 79430, MedGen C0079504, MONDO:0019312.

Allele frequency attached by ClinVar (database versions not stated): gnomAD exomes below 0.00001 and 0.00001; ExAC 0.00001; gnomAD 0.00002; TOPMed 0.00004.
gnomAD v4.1: 11 of 1,613,904 alleles (0.00068%); highest among the groups gnomAD compares: East Asian, 0.016%; no homozygotes.

Submissions (2):

Labcorp Genetics (formerly Invitae), Labcorp
Classification: Pathogenic. Last evaluated: 2024-01-17. Review status: criteria provided, single submitter. Criteria: Invitae Variant Classification Sherloc (09022015). Collection method: clinical testing. Allele origin: germline.
Comment: This sequence change replaces proline, which is neutral and non-polar, with serine, which is neutral and polar, at codon 275 of the HPS6 protein (p.Pro275Ser). This variant is present in population databases (rs756325364, gnomAD 0.01%). This missense change has been observed in individual(s) with Hermansky–Pudlak syndrome (PMID: 26575419). It has also been observed to segregate with disease in related individuals. ClinVar contains an entry for this variant (Variation ID: 690344). Advanced modeling of protein sequence and biophysical properties (such as structural, functional, and spatial information, amino acid conservation, physicochemical variation, residue mobility, and thermodynamic stability) performed at Invitae indicates that this missense variant is not expected to disrupt HPS6 protein function with a negative predictive value of 80%. For these reasons, this variant has been classified as Pathogenic.

University of Washington Center for Mendelian Genomics, University of Washington
Classification: Likely pathogenic for Hermansky-Pudlak syndrome. Last evaluated: 2015-12-18. Review status: no assertion criteria provided. Collection method: research. Allele origin: unknown. Affected: yes. Not counted in ClinVar's aggregate classification.

Literature cited by the submitters: PubMed 26575419 (cited by Labcorp Genetics (formerly Invitae), Labcorp and University of Washington Center for Mendelian Genomics, University of Washington).